The following is an entry in ClinVar:

NM_002234.4(KCNA5):c.79G>A (p.Gly27Ser)

Gene: KCNA5 (potassium voltage-gated channel subfamily A member 5; plus strand). Cytogenetic location: 12p13.32.
Variant type: single nucleotide variant.
Coding change: c.79G>A on transcript NM_002234.4 (MANE Select); coding-DNA position 79, G replaced by A.
Protein change: p.Gly27Ser; replaces glycine 27 with serine.
Molecular consequence: missense variant.
Genome position (GRCh38, 1-based): chr12:5,044,226, G>A. VCF-style: chr12-5044226-G-A. GRCh37 (hg19) VCF-style: chr12-5153392-G-A.
Other names: short protein forms G27S.
Identifiers: ClinVar variation 469598 (VCV000469598.19), dbSNP rs201238766, ClinGen allele CA6399535.

ClinVar aggregate classification (germline): Conflicting classifications of pathogenicity. Review status: criteria provided, conflicting classifications (1 of 4 stars). 4 submissions from 4 submitters: Uncertain significance (1); Likely benign (2). 1 of the submissions does not count toward it. Last evaluated 2026-01-11.

Conditions:
KCNA5-related disorder. Also called: KCNA5-related condition.
Atrial fibrillation, familial, 7 (ATFB7). Identifiers: MedGen C2677106, MONDO:0012828, OMIM 612240.

Allele frequency attached by ClinVar (database versions not stated): ExAC 0.00017; gnomAD exomes 0.00027; ESP Exome Variant Server 0.00044; 1000 Genomes Project 30x 0.00078; gnomAD 0.00096 and 0.00105; 1000 Genomes Project 0.00100; TOPMed 0.00114.

Submissions (4):

Labcorp Genetics (formerly Invitae), Labcorp
Classification: Likely benign for Atrial fibrillation, familial, 7. Last evaluated: 2026-01-11. Review status: criteria provided, single submitter. Criteria: Invitae Variant Classification Sherloc (09022015). Collection method: clinical testing. Allele origin: germline.

GeneDx
Classification: Likely benign. Last evaluated: 2019-07-01. Review status: criteria provided, single submitter. Criteria: GeneDx Variant Classification Process June 2021. Collection method: clinical testing. Allele origin: germline. Affected: yes.

Fulgent Genetics
Classification: Uncertain significance for Atrial fibrillation, familial, 7. Last evaluated: 2018-10-31. Review status: criteria provided, single submitter. Criteria: ACMG Guidelines, 2015. Collection method: clinical testing. Allele origin: unknown.

PreventionGenetics, part of Exact Sciences
Classification: Likely benign for KCNA5-related condition. Last evaluated: 2019-06-03. Review status: no assertion criteria provided. Collection method: clinical testing. Allele origin: germline. Not counted in ClinVar's aggregate classification.
Comment: This variant is classified as likely benign based on ACMG/AMP sequence variant interpretation guidelines (Richards et al. 2015 PMID: 25741868, with internal and published modifications).